The following is an entry in ClinVar:

NM_001267550.2(TTN):c.45082+8T>C

Genes: TTN (titin; minus strand), LOC126806427 (BRD4-independent group 4 enhancer GRCh37_chr2:179485777-179486976; plus strand). Cytogenetic location: 2q31.2.
Variant type: single nucleotide variant.
Coding change: c.45082+8T>C on transcript NM_001267550.2 (MANE Select); 8 bases into the intron after coding-DNA position 45082, T replaced by C.
Molecular consequence: intron variant.
Genome position (GRCh38, 1-based): chr2:178,621,832, A>G on the plus strand (T>C on the coding strand, the complement: TTN is on the minus strand). VCF-style: chr2-178621832-A-G. GRCh37 (hg19) VCF-style: chr2-179486559-A-G.
Other names: c.17887+8T>C (NM_003319.4); c.18463+8T>C (NM_133437.4); c.18262+8T>C (NM_133432.3); c.37378+8T>C (NM_133378.4); c.40159+8T>C (NM_001256850.1).
Identifiers: ClinVar variation 2627262 (VCV002627262.1), dbSNP rs2058334835, ClinGen allele CA2582341682.
Genomic context (GRCh38, chr2:178,621,832, plus strand): 5'-TGAGTTAAGCTGGAAATTATTATTTTTTCCCAACACATATACTTCACAAAGAATGACTTT[A>G]CTCTTACCCAGAACTGTCAGCATGCCAGAAGTTCTCGCTGTCCTTACTTCACAGGAATAT-3'

ClinVar aggregate classification (germline): Uncertain significance (1 of 4 stars; one submission).

Submission:

Women's Health and Genetics/Laboratory Corporation of America, LabCorp
Classification: Uncertain significance. Last evaluated: 2023-09-16. Review status: criteria provided, single submitter. Criteria: LabCorp Variant Classification Summary - May 2015. Collection method: clinical testing. Allele origin: germline.
Comment: Variant summary: TTN c.37378+8T>C alters a non-conserved nucleotide located close to a canonical splice site and therefore could affect mRNA splicing, leading to a significantly altered protein sequence. Consensus agreement among computation tools predict no significant impact on normal splicing. However, these predictions have yet to be confirmed by functional studies. The variant was absent in 247080 control chromosomes (gnomAD). The available data on variant occurrences in the general population are insufficient to allow any conclusion about variant significance. To our knowledge, no occurrence of c.37378+8T>C in individuals affected with Limb-Girdle Muscular Dystrophy, Type 2J and no experimental evidence demonstrating its impact on protein function have been reported. No submitters have reported clinical-significance assessments for this variant to ClinVar after 2014. Based on the evidence outlined above, the variant was classified as uncertain significance.